The following is an entry in ClinVar:

ClinVar aggregate classification (germline): Uncertain significance (1 of 4 stars; one submission).

Conditions:
Neurodegeneration, childhood-onset, stress-induced, with variable ataxia and seizures. Identifiers: Orphanet 694922, MedGen C4748527, MONDO:0100095, OMIM 618170.

Allele frequency attached by ClinVar (database versions not stated): gnomAD exomes below 0.00001.

Submission:

Laboratorio de Genetica e Diagnostico Molecular, Hospital Israelita Albert Einstein
Classification: Uncertain significance for Neurodegeneration, childhood-onset, stress-induced, with variable ataxia and seizures. Last evaluated: 2021-05-05. Review status: criteria provided, single submitter. Criteria: ACMG Guidelines, 2015. Collection method: clinical testing. Allele origin: germline. Affected: yes.
Comment: ACMG classification criteria: PM2, PP3

NM_017825.3(ADPRS):c.466C>T (p.Arg156Trp)

Gene: ADPRS (ADP-ribosylserine hydrolase; plus strand). Cytogenetic location: 1p34.3.
Variant type: single nucleotide variant.
Coding change: c.466C>T on transcript NM_017825.3 (MANE Select); coding-DNA position 466, C replaced by T.
Protein change: p.Arg156Trp; replaces arginine 156 with tryptophan.
Molecular consequence: missense variant.
Genome position (GRCh38, 1-based): chr1:36,091,775, C>T. VCF-style: chr1-36091775-C-T. GRCh37 (hg19) VCF-style: chr1-36557376-C-T.
Other names: short protein forms R156W.
Identifiers: ClinVar variation 1683693 (VCV001683693.2), dbSNP rs866152144, ClinGen allele CA20697432.